The following is an entry in ClinVar:

ClinVar aggregate classification (germline): Uncertain significance (1 of 4 stars; one submission).

Conditions:
Atrioventricular septal defect 4 (AVSD4). Identifiers: MedGen C3280781, MONDO:0013747, OMIM 614430.

Allele frequency attached by ClinVar (database versions not stated): gnomAD 0.00001; TOPMed 0.00002.
gnomAD v4.1: 3 of 1,357,144 alleles (0.00022%); highest among the groups gnomAD compares: African/African-American, 0.0015%; no homozygotes.

Submission:

Labcorp Genetics (formerly Invitae), Labcorp
Classification: Uncertain significance for Atrioventricular septal defect 4. Last evaluated: 2024-02-02. Review status: criteria provided, single submitter. Criteria: Invitae Variant Classification Sherloc (09022015). Collection method: clinical testing. Allele origin: germline.
Comment: This sequence change replaces glycine, which is neutral and non-polar, with alanine, which is neutral and non-polar, at codon 93 of the GATA4 protein (p.Gly93Ala). This variant is not present in population databases (gnomAD no frequency). This missense change has been observed in individual(s) with congenital heart defects (PMID: 18055909, 21631294, 29377543). ClinVar contains an entry for this variant (Variation ID: 1020635). Advanced modeling of protein sequence and biophysical properties (such as structural, functional, and spatial information, amino acid conservation, physicochemical variation, residue mobility, and thermodynamic stability) performed at Invitae indicates that this missense variant is not expected to disrupt GATA4 protein function with a negative predictive value of 80%. In summary, the available evidence is currently insufficient to determine the role of this variant in disease. Therefore, it has been classified as a Variant of Uncertain Significance.

Literature cited by the submitters: PubMed 18055909; PubMed 21631294; PubMed 29377543.

NM_001308093.3(GATA4):c.278G>C (p.Gly93Ala)

Gene: GATA4 (GATA binding protein 4). Cytogenetic location: 8p23.1.
Variant type: single nucleotide variant.
Coding change: c.278G>C on transcript NM_001308093.3 (MANE Select); coding-DNA position 278, G replaced by C.
Protein change: p.Gly93Ala; replaces glycine 93 with alanine.
Molecular consequence: missense variant. On other transcripts: intron variant (3).
Genome position (GRCh38, 1-based): chr8:11,708,590, G>C. VCF-style: chr8-11708590-G-C. GRCh37 (hg19) VCF-style: chr8-11566099-G-C.
Other names: c.278G>C, p.Gly93Ala (NM_002052.5); c.-6+7812G>C (NM_001308094.2); c.-3+576G>C (NM_001374274.1); c.-3+4286G>C (NM_001374273.1); short protein forms G93A.
Identifiers: ClinVar variation 1020635 (VCV001020635.8), dbSNP rs56191129, ClinGen allele CA172074725.
Genomic context (GRCh38, chr8:11,708,590, plus strand): 5'-GGGCCGCGTCTGGTGCGGGGCCCGGGACCCAGCAGGGCAGCCCGGGATGGAGCCAGGCGG[G>C]AGCCGACGGAGCCGCTTACACCCCGCCGCCGGTGTCGCCGCGCTTCTCCTTCCCGGGGAC-3'
Protein context (NP_001295022.1, residues 83-103): QQGSPGWSQA[Gly93Ala]ADGAAYTPPP